The following is an entry in ClinVar:

NM_001009944.3(PKD1):c.4379dup (p.Glu1461fs)

Gene: PKD1 (polycystin 1, transient receptor potential channel interacting; minus strand). Cytogenetic location: 16p13.3.
Variant type: Duplication.
Coding change: c.4379dup on transcript NM_001009944.3 (MANE Select); coding-DNA position 4379, one base duplicated (T; older notation c.4379dupT).
Protein change: p.Glu1461fs; shifts the reading frame from glutamic acid 1461.
Molecular consequence: frameshift variant.
Genome position (GRCh38, 1-based): chr16:2,110,788, A duplicated on the plus strand (T on the coding strand, the reverse complement: PKD1 is on the minus strand). VCF-style (leftmost placement, unchanged base first): chr16-2110787-C-CA. GRCh37 (hg19) VCF-style: chr16-2160788-C-CA.
Other names: c.4379dup, p.Glu1461fs (NM_000296.4); c.4379dupT (NM_001009944.2); short protein forms E1461fs.
Identifiers: ClinVar variation 2633058 (VCV002633058.1), dbSNP rs2544822303, ClinGen allele CA2695197400.

ClinVar aggregate classification (germline): Likely pathogenic (1 of 4 stars; one submission).

Conditions:
PKD1-related disorder. Also called: PKD1-related condition.

Submission:

PreventionGenetics, part of Exact Sciences
Classification: Likely pathogenic for PKD1-related condition. Last evaluated: 2023-04-16. Review status: criteria provided, single submitter. Criteria: ACMG Guidelines, 2015. Collection method: clinical testing. Allele origin: germline.
Comment: The PKD1 c.4379dupT variant is predicted to result in a frameshift and premature protein termination (p.Glu1461Glyfs*62). To our knowledge, this variant has not been reported in the literature or in a large population database, indicating this variant is rare. Frameshift variants in PKD1 are expected to be pathogenic. This variant is interpreted as likely pathogenic.